The following is an entry in ClinVar:

NM_001098511.3(KIF2A):c.1838A>G (p.Asp613Gly)

Gene: KIF2A (kinesin family member 2A; plus strand). Cytogenetic location: 5q12.1.
Variant type: single nucleotide variant.
Coding change: c.1838A>G on transcript NM_001098511.3 (MANE Select); coding-DNA position 1838, A replaced by G.
Protein change: p.Asp613Gly; replaces aspartic acid 613 with glycine.
Molecular consequence: missense variant.
Genome position (GRCh38, 1-based): chr5:62,373,764, A>G. VCF-style: chr5-62373764-A-G. GRCh37 (hg19) VCF-style: chr5-61669591-A-G.
Other names: c.1643A>G, p.Asp548Gly (NM_001243952.2); c.1667A>G, p.Asp556Gly (NM_001243953.2); c.1724A>G, p.Asp575Gly (NM_004520.5); short protein forms D548G, D556G, D575G, D613G.
Identifiers: ClinVar variation 4764822 (VCV004764822.1).

ClinVar aggregate classification (germline): Uncertain significance (1 of 4 stars; one submission).

gnomAD v4.1: 2 of 1,613,180 alleles (0.00012%); highest among the groups gnomAD compares: Non-Finnish European, 0.00017%; no homozygotes.

Submission:

Labcorp Genetics (formerly Invitae), Labcorp
Classification: Uncertain significance. Last evaluated: 2025-08-18. Review status: criteria provided, single submitter. Criteria: Invitae Variant Classification Sherloc (09022015). Collection method: clinical testing. Allele origin: germline.
Comment: This sequence change replaces aspartic acid, which is acidic and polar, with glycine, which is neutral and non-polar, at codon 613 of the KIF2A protein (p.Asp613Gly). This variant is not present in population databases (gnomAD no frequency). This variant has not been reported in the literature in individuals affected with KIF2A-related conditions. An algorithm developed to predict the effect of missense changes on protein structure and function (PolyPhen-2) suggests that this variant is likely to be disruptive. In summary, the available evidence is currently insufficient to determine the role of this variant in disease. Therefore, it has been classified as a Variant of Uncertain Significance.